The following is an entry in ClinVar:

NM_002465.4(MYBPC1):c.608+5C>T

Gene: MYBPC1 (myosin binding protein C1; plus strand). Cytogenetic location: 12q23.2.
Variant type: single nucleotide variant.
Coding change: c.608+5C>T on transcript NM_002465.4 (MANE Select); 5 bases into the intron after coding-DNA position 608, C replaced by T.
Molecular consequence: intron variant.
Genome position (GRCh38, 1-based): chr12:101,634,610, C>T. VCF-style: chr12-101634610-C-T. GRCh37 (hg19) VCF-style: chr12-102028388-C-T.
Other names: c.608+5C>T (NM_206819.4, NM_001404675.1); c.533+5C>T (NM_001254718.3, NM_206820.4, NM_001254719.3 and 4 more transcripts); c.497+5C>T (NM_001254720.3); c.494+5C>T (NM_001254723.3); c.455+5C>T (NM_001254722.3, NM_001404680.1, NM_001404679.1 and 2 more transcripts).
Identifiers: ClinVar variation 3242127 (VCV003242127.1), dbSNP rs2547501546.
Genomic context (GRCh38, chr12:101,634,610, plus strand): 5'-AAAGAATCTACTGGGACTACTCCAAACATTGACATCAGATCTGCTTTCAAGAGAAGGTAA[C>T]TCCAAAAGAAAAATCTAGATAGCTTTTGTATAACACAGAAGTGGAGGATTTTCAAACACA-3'

ClinVar aggregate classification (germline): Uncertain significance (1 of 4 stars; one submission).

Conditions:
Myopathy, congenital, with tremor. Also called: myogenic tremor; CONGENITAL MYOPATHY 16. Identifiers: MedGen C5231401, MONDO:0032797, OMIM 618524.

Submission:

Neuberg Centre For Genomic Medicine, NCGM
Classification: Uncertain significance for Myopathy, congenital, with tremor. Review status: criteria provided, single submitter. Criteria: ACMG Guidelines, 2015. Collection method: clinical testing. Allele origin: germline. Inheritance: Autosomal dominant inheritance. Affected: yes.
Comment: The splice region variant c.608+5C>T in MYBPC1 gene has not been reported previously as a pathogenic variant nor as a benign variant, to our knowledge. This variant is absent in gnomAD exomes database. This variant has not been submitted to the ClinVar database. SpliceAI score for this variant is 0.07 and is interpreted as benign. For these reasons, this variant has been classified as Uncertain Significance (VUS).